The following is an entry in ClinVar:

ClinVar aggregate classification (germline): Uncertain significance (1 of 4 stars; one submission).

Conditions:
Epileptic encephalopathy. Identifiers: MedGen C0543888, HP:0200134.

Allele frequency attached by ClinVar (database versions not stated): gnomAD exomes 0.00001.
gnomAD v4.1: 25 of 1,612,714 alleles (0.0016%); highest among the groups gnomAD compares: South Asian, 0.0022%; no homozygotes.

Submission:

Labcorp Genetics (formerly Invitae), Labcorp
Classification: Uncertain significance for Epileptic encephalopathy. Last evaluated: 2025-12-01. Review status: criteria provided, single submitter. Criteria: Invitae Variant Classification Sherloc (09022015). Collection method: clinical testing. Allele origin: germline.
Comment: This sequence change replaces methionine, which is neutral and non-polar, with valine, which is neutral and non-polar, at codon 2104 of the FASN protein (p.Met2104Val). This variant is present in population databases (no rsID available, gnomAD 0.006%). This variant has not been reported in the literature in individuals affected with FASN-related conditions. ClinVar contains an entry for this variant (Variation ID: 959262). An algorithm developed to predict the effect of missense changes on protein structure and function (PolyPhen-2) suggests that this variant is likely to be tolerated. In summary, the available evidence is currently insufficient to determine the role of this variant in disease. Therefore, it has been classified as a Variant of Uncertain Significance.

NM_004104.5(FASN):c.6310A>G (p.Met2104Val)

Gene: FASN (fatty acid synthase; minus strand). Cytogenetic location: 17q25.3.
Variant type: single nucleotide variant.
Coding change: c.6310A>G on transcript NM_004104.5 (MANE Select); coding-DNA position 6310, A replaced by G.
Protein change: p.Met2104Val; replaces methionine 2104 with valine.
Molecular consequence: missense variant.
Genome position (GRCh38, 1-based): chr17:82,081,697, T>C on the plus strand (A>G on the coding strand, the complement: FASN is on the minus strand). VCF-style: chr17-82081697-T-C. GRCh37 (hg19) VCF-style: chr17-80039573-T-C.
Other names: short protein forms M2104V.
Identifiers: ClinVar variation 959262 (VCV000959262.9), dbSNP rs1356589443, ClinGen allele CA401600896.